The following is an entry in ClinVar:

NM_006514.4(SCN10A):c.5744C>T (p.Thr1915Ile)

Gene: SCN10A (sodium voltage-gated channel alpha subunit 10; minus strand). Cytogenetic location: 3p22.2.
Variant type: single nucleotide variant.
Coding change: c.5744C>T on transcript NM_006514.4 (MANE Select); coding-DNA position 5744, C replaced by T.
Protein change: p.Thr1915Ile; replaces threonine 1915 with isoleucine.
Molecular consequence: missense variant.
Genome position (GRCh38, 1-based): chr3:38,697,476, G>A on the plus strand (C>T on the coding strand, the complement: SCN10A is on the minus strand). VCF-style: chr3-38697476-G-A. GRCh37 (hg19) VCF-style: chr3-38738967-G-A.
Other names: c.5741C>T, p.Thr1914Ile (NM_001293306.2); c.5450C>T, p.Thr1817Ile (NM_001293307.2); short protein forms T1914I, T1817I, T1915I.
Identifiers: ClinVar variation 4718204 (VCV004718204.1).

ClinVar aggregate classification (germline): Uncertain significance (1 of 4 stars; one submission).

Conditions:
Brugada syndrome. Also called: Sudden unexpected nocturnal death syndrome; Sudden unexplained nocturnal death syndrome; Sudden Unexplained Death Syndrome; Sudden Unexplained Nocturnal Death Syndrome (SUNDS). Identifiers: Orphanet 130, MedGen C1142166, MONDO:0015263.

gnomAD v4.1: 7 of 1,614,206 alleles (0.00043%); highest among the groups gnomAD compares: South Asian, 0.0033%; no homozygotes.

Submission:

Labcorp Genetics (formerly Invitae), Labcorp
Classification: Uncertain significance for Brugada syndrome. Last evaluated: 2025-03-16. Review status: criteria provided, single submitter. Criteria: Invitae Variant Classification Sherloc (09022015). Collection method: clinical testing. Allele origin: germline.
Comment: This sequence change replaces threonine, which is neutral and polar, with isoleucine, which is neutral and non-polar, at codon 1915 of the SCN10A protein (p.Thr1915Ile). This variant is not present in population databases (gnomAD no frequency). This variant has not been reported in the literature in individuals affected with SCN10A-related conditions. Invitae Evidence Modeling of protein sequence and biophysical properties (such as structural, functional, and spatial information, amino acid conservation, physicochemical variation, residue mobility, and thermodynamic stability) indicates that this missense variant is not expected to disrupt SCN10A protein function with a negative predictive value of 95%. In summary, the available evidence is currently insufficient to determine the role of this variant in disease. Therefore, it has been classified as a Variant of Uncertain Significance.